The following is an entry in ClinVar:

ClinVar aggregate classification (germline): Uncertain significance. Review status: criteria provided, multiple submitters, no conflicts (2 of 4 stars). 2 submissions from 2 submitters: Uncertain significance (2). Last evaluated 2024-07-23.

Conditions:
Hereditary cancer-predisposing syndrome. Also called: Tumor predisposition; Hereditary neoplastic syndrome; Neoplastic Syndromes, Hereditary; Hereditary Cancer Syndrome. Identifiers: Orphanet 140162, MedGen C0027672, MeSH D009386, MONDO:0015356.
Haddad syndrome (OHD). Also called: Ondine-Hirschsprung disease. Identifiers: Orphanet 99803, MedGen C1859049, MONDO:0020493.

Allele frequency attached by ClinVar (database versions not stated): gnomAD exomes below 0.00001.

Submissions (2):

Ambry Genetics
Classification: Uncertain significance for Hereditary cancer-predisposing syndrome. Last evaluated: 2024-07-23. Review status: criteria provided, single submitter. Criteria: Ambry Variant Classification Scheme 2023. Collection method: clinical testing. Allele origin: germline.
Comment: The p.C65S variant (also known as c.193T>A), located in coding exon 1 of the PHOX2B gene, results from a T to A substitution at nucleotide position 193. The cysteine at codon 65 is replaced by serine, an amino acid with dissimilar properties. This amino acid position is conserved. In addition, this alteration is predicted to be deleterious by in silico analysis. Since supporting evidence is limited at this time, the clinical significance of this alteration remains unclear.

Labcorp Genetics (formerly Invitae), Labcorp
Classification: Uncertain significance for Haddad syndrome. Last evaluated: 2023-11-06. Review status: criteria provided, single submitter. Criteria: Invitae Variant Classification Sherloc (09022015). Collection method: clinical testing. Allele origin: germline.
Comment: This sequence change replaces cysteine, which is neutral and slightly polar, with serine, which is neutral and polar, at codon 65 of the PHOX2B protein (p.Cys65Ser). This variant is not present in population databases (gnomAD no frequency). This variant has not been reported in the literature in individuals affected with PHOX2B-related conditions. ClinVar contains an entry for this variant (Variation ID: 1008105). Advanced modeling of protein sequence and biophysical properties (such as structural, functional, and spatial information, amino acid conservation, physicochemical variation, residue mobility, and thermodynamic stability) performed at Invitae indicates that this missense variant is not expected to disrupt PHOX2B protein function with a negative predictive value of 80%. In summary, the available evidence is currently insufficient to determine the role of this variant in disease. Therefore, it has been classified as a Variant of Uncertain Significance.

NM_003924.4(PHOX2B):c.193T>A (p.Cys65Ser)

Genes: PHOX2B-AS1 (PHOX2B antisense RNA 1; plus strand), PHOX2B (paired like homeobox 2B; minus strand). Cytogenetic location: 4p13.
Variant type: single nucleotide variant.
Coding change: c.193T>A on transcript NM_003924.4 (MANE Select); coding-DNA position 193, T replaced by A.
Protein change: p.Cys65Ser; replaces cysteine 65 with serine.
Molecular consequence: missense variant.
Genome position (GRCh38, 1-based): chr4:41,748,418, A>T on the plus strand (T>A on the coding strand, the complement: PHOX2B is on the minus strand). VCF-style: chr4-41748418-A-T. GRCh37 (hg19) VCF-style: chr4-41750435-A-T.
Other names: short protein forms C65S.
Identifiers: ClinVar variation 1008105 (VCV001008105.12), dbSNP rs1733981070, ClinGen allele CA356740886.